The following is an entry in ClinVar:

NM_001270508.2(TNFAIP3):c.831C>G (p.Asn277Lys)

Gene: TNFAIP3 (TNF alpha induced protein 3; plus strand). Cytogenetic location: 6q23.3.
Variant type: single nucleotide variant.
Coding change: c.831C>G on transcript NM_001270508.2 (MANE Select); coding-DNA position 831, C replaced by G.
Protein change: p.Asn277Lys; replaces asparagine 277 with lysine.
Molecular consequence: missense variant.
Genome position (GRCh38, 1-based): chr6:137,877,101, C>G. VCF-style: chr6-137877101-C-G. GRCh37 (hg19) VCF-style: chr6-138198238-C-G.
Other names: c.831C>G, p.Asn277Lys (NM_001270507.2, NM_006290.4); short protein forms N277K.
Identifiers: ClinVar variation 2823596 (VCV002823596.3), dbSNP rs2482742297, ClinGen allele CA365787005.

ClinVar aggregate classification (germline): Uncertain significance (1 of 4 stars; one submission).

Submission:

Labcorp Genetics (formerly Invitae), Labcorp
Classification: Uncertain significance. Last evaluated: 2022-12-23. Review status: criteria provided, single submitter. Criteria: Invitae Variant Classification Sherloc (09022015). Collection method: clinical testing. Allele origin: germline.
Comment: In summary, the available evidence is currently insufficient to determine the role of this variant in disease. Therefore, it has been classified as a Variant of Uncertain Significance. Advanced modeling of protein sequence and biophysical properties (such as structural, functional, and spatial information, amino acid conservation, physicochemical variation, residue mobility, and thermodynamic stability) performed at Invitae indicates that this missense variant is not expected to disrupt TNFAIP3 protein function. This variant has not been reported in the literature in individuals affected with TNFAIP3-related conditions. This variant is not present in population databases (gnomAD no frequency). This sequence change replaces asparagine, which is neutral and polar, with lysine, which is basic and polar, at codon 277 of the TNFAIP3 protein (p.Asn277Lys).